The following is an entry in ClinVar:

NM_133259.4(LRPPRC):c.1511G>C (p.Ser504Thr)

Gene: LRPPRC (leucine rich pentatricopeptide repeat containing; minus strand). Cytogenetic location: 2p21.
Variant type: single nucleotide variant.
Coding change: c.1511G>C on transcript NM_133259.4 (MANE Select); coding-DNA position 1511, G replaced by C.
Protein change: p.Ser504Thr; replaces serine 504 with threonine.
Molecular consequence: missense variant.
Genome position (GRCh38, 1-based): chr2:43,960,612, C>G on the plus strand (G>C on the coding strand, the complement: LRPPRC is on the minus strand). VCF-style: chr2-43960612-C-G. GRCh37 (hg19) VCF-style: chr2-44187751-C-G.
Other names: p.Ser504Thr; short protein forms S504T.
Identifiers: ClinVar variation 1395945 (VCV001395945.7), dbSNP rs753847360, ClinGen allele CA346678819.

ClinVar aggregate classification (germline): Uncertain significance. Review status: criteria provided, multiple submitters, no conflicts (2 of 4 stars). 2 submissions from 2 submitters: Uncertain significance (2). Last evaluated 2025-06-27.

Allele frequency attached by ClinVar (database versions not stated): TOPMed 0.00001.
gnomAD v4.1: 2 of 1,596,358 alleles (0.00013%); highest among the groups gnomAD compares: Admixed American, 0.0033%; no homozygotes.

Submissions (2):

Mayo Clinic Laboratories, Mayo Clinic
Classification: Uncertain significance. Last evaluated: 2025-06-27. Review status: criteria provided, single submitter. Criteria: ACMG Guidelines, 2015. Collection method: clinical testing. Allele origin: germline. Observed: 1 variant allele.
Comment: BP4_moderate, PM2_supporting

Labcorp Genetics (formerly Invitae), Labcorp
Classification: Uncertain significance. Last evaluated: 2023-05-15. Review status: criteria provided, single submitter. Criteria: Invitae Variant Classification Sherloc (09022015). Collection method: clinical testing. Allele origin: germline.
Comment: In summary, the available evidence is currently insufficient to determine the role of this variant in disease. Therefore, it has been classified as a Variant of Uncertain Significance. Advanced modeling of protein sequence and biophysical properties (such as structural, functional, and spatial information, amino acid conservation, physicochemical variation, residue mobility, and thermodynamic stability) performed at Invitae indicates that this missense variant is not expected to disrupt LRPPRC protein function. ClinVar contains an entry for this variant (Variation ID: 1395945). This variant has not been reported in the literature in individuals affected with LRPPRC-related conditions. This variant is present in population databases (no rsID available, gnomAD 0.006%). This sequence change replaces serine, which is neutral and polar, with threonine, which is neutral and polar, at codon 504 of the LRPPRC protein (p.Ser504Thr).